The following is an entry in ClinVar:

NM_000535.7(PMS2):c.1288A>G (p.Thr430Ala)

Gene: PMS2 (PMS1 homolog 2, mismatch repair system component; minus strand). Cytogenetic location: 7p22.1.
Variant type: single nucleotide variant.
Coding change: c.1288A>G on transcript NM_000535.7 (MANE Select); coding-DNA position 1288, A replaced by G.
Protein change: p.Thr430Ala; replaces threonine 430 with alanine.
Molecular consequence: missense variant. On other transcripts: non-coding transcript variant (1).
Genome position (GRCh38, 1-based): chr7:5,987,477, T>C on the plus strand (A>G on the coding strand, the complement: PMS2 is on the minus strand). VCF-style: chr7-5987477-T-C. GRCh37 (hg19) VCF-style: chr7-6027108-T-C.
Other names: c.355A>G, p.Thr119Ala (NM_001322011.2, NM_001322012.2); c.715A>G, p.Thr239Ala (NM_001322013.2); c.1288A>G, p.Thr430Ala (NM_001322014.2); c.979A>G, p.Thr327Ala (NM_001322015.2); c.883A>G, p.Thr295Ala (NM_001322003.2, NM_001322004.2, NM_001322005.2 and 1 more transcripts); c.1132A>G, p.Thr378Ala (NM_001322006.2); c.970A>G, p.Thr324Ala (NM_001322007.2, NM_001322008.2); c.727A>G, p.Thr243Ala (NM_001322010.2); short protein forms T430A, T239A, T295A, T324A, T327A, T378A, T119A, T243A.
Identifiers: ClinVar variation 140937 (VCV000140937.25), dbSNP rs587781382, ClinGen allele CA009484.
Genomic context (GRCh38, chr7:5,987,477, plus strand): 5'-TCTGTCCTAGAGGGCTCCTTCTTGGTTCTGGAGTCTTTGGGCTGTGAGGCTTGTTCTCTG[T>C]TGTGTGACGAAGAGAAAAGGCCTCTCGCAGTCTGGAAATGGACACGTCTTTTTTTTCTTC-3'
Protein context (NP_000526.2, residues 420-440): LREAFSLRHT[Thr430Ala]ENKPHSPKTP

ClinVar aggregate classification (germline): Conflicting classifications of pathogenicity. Review status: criteria provided, conflicting classifications (1 of 4 stars). 8 submissions from 8 submitters: Uncertain significance (7); Likely benign (1). Last evaluated 2025-07-31.

Conditions:
Mismatch repair cancer syndrome 4. Identifiers: MedGen C5436817, MONDO:0030843, OMIM 619101.
Lynch syndrome 4 (LYNCH4). Also called: Colorectal cancer, hereditary nonpolyposis, type 4; Hereditary non-polyposis colorectal cancer, type 4. Identifiers: Orphanet 144, MedGen C1838333, MONDO:0013699, OMIM 614337. Disease mechanism: loss of function.
Hereditary nonpolyposis colorectal neoplasms. Identifiers: MedGen C0009405, MeSH D003123.
Hereditary cancer-predisposing syndrome. Also called: Neoplastic Syndromes, Hereditary; Tumor predisposition; Hereditary Cancer Syndrome; Hereditary neoplastic syndrome. Identifiers: Orphanet 140162, MedGen C0027672, MeSH D009386, MONDO:0015356.
Lynch syndrome. Identifiers: Orphanet 144, MedGen C4552100, MONDO:0005835. Disease mechanism: loss of function.

Allele frequency attached by ClinVar (database versions not stated): gnomAD 0.00004; TOPMed 0.00006.

Submissions (8):

Labcorp Genetics (formerly Invitae), Labcorp
Classification: Uncertain significance for Hereditary nonpolyposis colorectal neoplasms. Last evaluated: 2025-07-31. Review status: criteria provided, single submitter. Criteria: Invitae Variant Classification Sherloc (09022015). Collection method: clinical testing. Allele origin: germline.
Comment: This sequence change replaces threonine, which is neutral and polar, with alanine, which is neutral and non-polar, at codon 430 of the PMS2 protein (p.Thr430Ala). This variant is not present in population databases (gnomAD no frequency). This variant has not been reported in the literature in individuals affected with PMS2-related conditions. ClinVar contains an entry for this variant (Variation ID: 140937). Invitae Evidence Modeling incorporating data from in vitro experimental studies (internal data) indicates that this missense variant is not expected to disrupt PMS2 function with a negative predictive value of 95%. RNA analysis performed to evaluate the impact of this missense change on mRNA splicing indicates it does not significantly alter splicing (internal data). In summary, the available evidence is currently insufficient to determine the role of this variant in disease. Therefore, it has been classified as a Variant of Uncertain Significance.

Fulgent Genetics
Classification: Uncertain significance for Lynch syndrome 4; Mismatch repair cancer syndrome 4. Last evaluated: 2024-04-02. Review status: criteria provided, single submitter. Criteria: ACMG Guidelines, 2015. Collection method: clinical testing. Allele origin: germline.

All of Us Research Program, National Institutes of Health
Classification: Uncertain significance for Lynch syndrome. Last evaluated: 2024-02-05. Review status: criteria provided, single submitter. Criteria: ACMG Guidelines, 2015. Collection method: clinical testing. Allele origin: germline. Inheritance: Autosomal dominant inheritance. Observed: 2 variant alleles, 2 heterozygotes.
Comment: This missense variant replaces threonine with alanine at codon 430 of the PMS2 protein. Computational prediction suggests that this variant may not impact protein structure and function (internally defined REVEL score threshold <= 0.5, PMID: 27666373). To our knowledge, functional studies have not been reported for this variant. This variant has not been reported in individuals affected with PMS2-related disorders in the literature. This variant has not been identified in the general population by the Genome Aggregation Database (gnomAD). The available evidence is insufficient to determine the role of this variant in disease conclusively. Therefore, this variant is classified as a Variant of Uncertain Significance.

This study involves interpretation of variants in research participants for the purpose of population health screening. Participant phenotype was not available at the time of variant classification. Additional details can be found in publication PMID: 35346344, PMCID: PMC8962531

GeneDx
Classification: Uncertain significance. Last evaluated: 2023-12-04. Review status: criteria provided, single submitter. Criteria: GeneDx Variant Classification Process June 2021. Collection method: clinical testing. Allele origin: germline. Affected: yes.
Comment: Not observed at significant frequency in large population cohorts (gnomAD); In silico analysis supports that this missense variant does not alter protein structure/function; Has not been previously published as pathogenic or benign to our knowledge

Color Diagnostics, LLC DBA Color Health
Classification: Uncertain significance for Hereditary cancer-predisposing syndrome. Last evaluated: 2023-11-30. Review status: criteria provided, single submitter. Criteria: ACMG Guidelines, 2015. Collection method: clinical testing. Allele origin: germline.
Comment: This missense variant replaces threonine with alanine at codon 430 of the PMS2 protein. Computational prediction suggests that this variant may not impact protein structure and function (internally defined REVEL score threshold <= 0.5, PMID: 27666373). To our knowledge, functional studies have not been reported for this variant. This variant has not been reported in individuals affected with PMS2-related disorders in the literature. This variant has not been identified in the general population by the Genome Aggregation Database (gnomAD). The available evidence is insufficient to determine the role of this variant in disease conclusively. Therefore, this variant is classified as a Variant of Uncertain Significance.

Women's Health and Genetics/Laboratory Corporation of America, LabCorp
Classification: Uncertain significance. Last evaluated: 2023-05-28. Review status: criteria provided, single submitter. Criteria: LabCorp Variant Classification Summary - May 2015. Collection method: clinical testing. Allele origin: germline.

Sema4
Classification: Uncertain significance for Hereditary cancer-predisposing syndrome. Last evaluated: 2021-09-15. Review status: criteria provided, single submitter. Criteria: Sema4 Curation Guidelines. Collection method: curation. Allele origin: germline.
Comment: The PMS2 c.1288A>G (p.T430A) variant has not been reported in the literature to our knowledge. It was not observed in the large and broad cohorts of the Genome Aggregation Database, but has been reported in ClinVar (Variation ID 140937). Functional studies have not been performed, and in silico predictions of the variant's effect on protein function are inconclusive. The evidence is insufficient to meet ACMG/AMP criteria for classifying the variant as benign or pathogenic. Thus, the clinical significance of this variant is currently uncertain.

Ambry Genetics
Classification: Likely benign for Hereditary cancer-predisposing syndrome. Last evaluated: 2019-03-30. Review status: criteria provided, single submitter. Criteria: Ambry Variant Classification Scheme 2023. Collection method: clinical testing. Allele origin: germline.